The following is an entry in ClinVar:

ClinVar aggregate classification (germline): Pathogenic (1 of 4 stars; one submission).

Submission:

Labcorp Genetics (formerly Invitae), Labcorp
Classification: Pathogenic. Last evaluated: 2023-12-13. Review status: criteria provided, single submitter. Criteria: Invitae Variant Classification Sherloc (09022015). Collection method: clinical testing. Allele origin: germline.
Comment: This sequence change creates a premature translational stop signal (p.Val19Glufs*18) in the FAM161A gene. It is expected to result in an absent or disrupted protein product. Loss-of-function variants in FAM161A are known to be pathogenic (PMID: 20705278, 20705279, 24651477). This variant is not present in population databases (gnomAD no frequency). This variant has not been reported in the literature in individuals affected with FAM161A-related conditions. For these reasons, this variant has been classified as Pathogenic.

Literature cited by the submitters: PubMed 20705278; PubMed 20705279; PubMed 24651477.

NM_001201543.2(FAM161A):c.56del (p.Val19fs)

Genes: FAM161A (FAM161 centrosomal protein A; minus strand), LOC129933843 (ATAC-STARR-seq lymphoblastoid active region 15839; plus strand). Cytogenetic location: 2p15.
Variant type: Deletion.
Coding change: c.56del on transcript NM_001201543.2 (MANE Select); coding-DNA position 56, one base deleted (T; older notation c.56delT).
Protein change: p.Val19fs; shifts the reading frame from valine 19.
Molecular consequence: frameshift variant. On other transcripts: non-coding transcript variant (1).
Genome position (GRCh38, 1-based): chr2:61,853,986, A deleted on the plus strand (T on the coding strand, the reverse complement: FAM161A is on the minus strand). VCF-style (leftmost placement, unchanged base first): chr2-61853985-TA-T. GRCh37 (hg19) VCF-style: chr2-62081120-TA-T.
Other names: c.56del, p.Val19fs (NM_032180.3); short protein forms V19fs.
Identifiers: ClinVar variation 2845146 (VCV002845146.3), dbSNP rs2466074266, ClinGen allele CA2739274466.
Genomic context (GRCh38, chr2:61,853,985, plus strand): 5'-CAGGGCCTTTAAGGGGTCTTCGCGTTCGTACTGGGCGACCCGCGCTCCAGTGATGGGATT[TA>T]CCGGGGTCTGGAGACTGGAGGCCACCAGCTTCGCCACTCGGTGGGAGGTGGCCATCGCCC-3'